The following is an entry in ClinVar:

NM_013275.6(ANKRD11):c.920C>T (p.Ser307Phe)

Gene: ANKRD11 (ankyrin repeat domain 11; minus strand). Cytogenetic location: 16q24.3.
Variant type: single nucleotide variant.
Coding change: c.920C>T on transcript NM_013275.6 (MANE Select); coding-DNA position 920, C replaced by T.
Protein change: p.Ser307Phe; replaces serine 307 with phenylalanine.
Molecular consequence: missense variant.
Genome position (GRCh38, 1-based): chr16:89,285,622, G>A on the plus strand (C>T on the coding strand, the complement: ANKRD11 is on the minus strand). VCF-style: chr16-89285622-G-A. GRCh37 (hg19) VCF-style: chr16-89352030-G-A.
Other names: c.920C>T, p.Ser307Phe (NM_001256182.2, NM_001256183.2); c.920C>T (NM_013275.4); short protein forms S307F.
Identifiers: ClinVar variation 3011413 (VCV003011413.4), dbSNP rs2544247018, ClinGen allele CA397166158.

ClinVar aggregate classification (germline): Uncertain significance. Review status: criteria provided, multiple submitters, no conflicts (2 of 4 stars). 2 submissions from 2 submitters: Uncertain significance (2). Last evaluated 2026-02-02.

Conditions:
Inborn genetic diseases. Identifiers: MedGen C0950123, MeSH D030342.
KBG syndrome (KBGS). Also called: ANKRD11-Related KBG Syndrome. Identifiers: Orphanet 2332, MedGen C0220687, MONDO:0007846, OMIM 148050.

Submissions (2):

Ambry Genetics
Classification: Uncertain significance for Inborn genetic diseases. Last evaluated: 2026-02-02. Review status: criteria provided, single submitter. Criteria: Ambry Variant Classification Scheme 2023. Collection method: clinical testing. Allele origin: germline.

Labcorp Genetics (formerly Invitae), Labcorp
Classification: Uncertain significance for KBG syndrome. Last evaluated: 2023-11-12. Review status: criteria provided, single submitter. Criteria: Invitae Variant Classification Sherloc (09022015). Collection method: clinical testing. Allele origin: germline.
Comment: This sequence change replaces serine, which is neutral and polar, with phenylalanine, which is neutral and non-polar, at codon 307 of the ANKRD11 protein (p.Ser307Phe). This variant is not present in population databases (gnomAD no frequency). This variant has not been reported in the literature in individuals affected with ANKRD11-related conditions. Advanced modeling of protein sequence and biophysical properties (such as structural, functional, and spatial information, amino acid conservation, physicochemical variation, residue mobility, and thermodynamic stability) has been performed at Invitae for this missense variant, however the output from this modeling did not meet the statistical confidence thresholds required to predict the impact of this variant on ANKRD11 protein function. In summary, the available evidence is currently insufficient to determine the role of this variant in disease. Therefore, it has been classified as a Variant of Uncertain Significance.